The following is an entry in ClinVar:

NM_001199753.2(CPT1C):c.157G>A (p.Gly53Ser)

Gene: CPT1C (carnitine palmitoyltransferase 1C; plus strand). Cytogenetic location: 19q13.33.
Variant type: single nucleotide variant.
Coding change: c.157G>A on transcript NM_001199753.2 (MANE Select); coding-DNA position 157, G replaced by A.
Protein change: p.Gly53Ser; replaces glycine 53 with serine.
Molecular consequence: missense variant. On other transcripts: non-coding transcript variant (1).
Genome position (GRCh38, 1-based): chr19:49,697,341, G>A. VCF-style: chr19-49697341-G-A. GRCh37 (hg19) VCF-style: chr19-50200598-G-A.
Other names: c.157G>A, p.Gly53Ser (NM_001136052.3, NM_001199752.3, NM_001378482.1 and 7 more transcripts); short protein forms G53S.
Identifiers: ClinVar variation 1358380 (VCV001358380.6), dbSNP rs374236576, ClinGen allele CA9581708.
Genomic context (GRCh38, chr19:49,697,341, plus strand): 5'-GAGGAGAGGGCAGATGATTCAATGGATGCCCTTTCCTCCCCACAGAATGACTTTCTCACC[G>A]GTGTGTTTCCTGCCAGCCCCCTCAGTTGGCTTTTCCTCTTCAGTGCCATCCAGCTTGCCT-3'
Protein context (NP_001186682.1, residues 43-63): LSRFWNDFLT[Gly53Ser]VFPASPLSWL

ClinVar aggregate classification (germline): Uncertain significance (1 of 4 stars; one submission).

Conditions:
Hereditary spastic paraplegia 73. Also called: Spastic paraplegia 73, autosomal dominant. Identifiers: Orphanet 444099, MedGen C5568981, MONDO:0014568, OMIM 616282.

Allele frequency attached by ClinVar (database versions not stated): ExAC 0.00002; gnomAD 0.00002 and 0.00003; gnomAD exomes 0.00002 and 0.00003; TOPMed 0.00003.
gnomAD v4.1: 43 of 1,613,936 alleles (0.0027%); highest among the groups gnomAD compares: Non-Finnish European, 0.0033%; no homozygotes.

Submission:

Labcorp Genetics (formerly Invitae), Labcorp
Classification: Uncertain significance for Hereditary spastic paraplegia 73. Last evaluated: 2021-08-04. Review status: criteria provided, single submitter. Criteria: Invitae Variant Classification Sherloc (09022015). Collection method: clinical testing. Allele origin: germline.
Comment: Algorithms developed to predict the effect of sequence changes on RNA splicing suggest that this variant may create or strengthen a splice site. This sequence change replaces glycine with serine at codon 53 of the CPT1C protein (p.Gly53Ser). The glycine residue is highly conserved and there is a small physicochemical difference between glycine and serine. This variant is present in population databases (rs374236576, ExAC 0.004%). This variant has not been reported in the literature in individuals affected with CPT1C-related conditions. Algorithms developed to predict the effect of missense changes on protein structure and function are either unavailable or do not agree on the potential impact of this missense change (SIFT: "Deleterious"; PolyPhen-2: "Possibly Damaging"; Align-GVGD: "Class C0"). In summary, the available evidence is currently insufficient to determine the role of this variant in disease. Therefore, it has been classified as a Variant of Uncertain Significance.